The following is an entry in ClinVar:

NM_006306.4(SMC1A):c.374del (p.Gly125fs)

Gene: SMC1A (structural maintenance of chromosomes 1A; minus strand). Cytogenetic location: Xp11.22.
Variant type: Deletion.
Coding change: c.374del on transcript NM_006306.4 (MANE Select); coding-DNA position 374, one base deleted (G; older notation c.374delG).
Protein change: p.Gly125fs; shifts the reading frame from glycine 125.
Molecular consequence: frameshift variant.
Genome position (GRCh38, 1-based): chrX:53,414,795, C deleted on the plus strand (G on the coding strand, the reverse complement: SMC1A is on the minus strand); the first of 3 consecutive C bases (chrX:53,414,795-53,414,797); deleting any one gives the same sequence. VCF-style (leftmost placement, unchanged base first): chrX-53414794-GC-G. GRCh37 (hg19) VCF-style: chrX-53441743-GC-G.
Other names: c.308del, p.Gly103fs (NM_001281463.1); short protein forms G103fs, G125fs.
Identifiers: ClinVar variation 2087571 (VCV002087571.4), dbSNP rs2520969372, ClinGen allele CA2579615972.

ClinVar aggregate classification (germline): Pathogenic (1 of 4 stars; one submission).

Conditions:
Congenital muscular hypertrophy-cerebral syndrome (CDLS2). Also called: SMC1A-Related Cornelia de Lange Syndrome; Cornelia de Lange syndrome 2. Identifiers: Orphanet 199, MedGen C1802395, MONDO:0010370, OMIM 300590.

Submission:

Labcorp Genetics (formerly Invitae), Labcorp
Classification: Pathogenic for Congenital muscular hypertrophy-cerebral syndrome. Last evaluated: 2022-08-16. Review status: criteria provided, single submitter. Criteria: Invitae Variant Classification Sherloc (09022015). Collection method: clinical testing. Allele origin: germline.
Comment: For these reasons, this variant has been classified as Pathogenic. This variant has not been reported in the literature in individuals affected with SMC1A-related conditions. This variant is not present in population databases (gnomAD no frequency). This sequence change creates a premature translational stop signal (p.Gly125Alafs*21) in the SMC1A gene. It is expected to result in an absent or disrupted protein product. Loss-of-function variants in SMC1A are known to be pathogenic (PMID: 26386245, 27334371, 28166369, 28548707, 31334757).

Literature cited by the submitters: PubMed 26386245; PubMed 27334371; PubMed 28166369; PubMed 28548707; PubMed 31334757.